The following is an entry in ClinVar:

ClinVar aggregate classification (germline): Uncertain significance (1 of 4 stars; one submission).

Allele frequency attached by ClinVar (database versions not stated): gnomAD exomes below 0.00001 and 0.00001; TOPMed below 0.00001; ExAC 0.00001; gnomAD 0.00001.

Submission:

Labcorp Genetics (formerly Invitae), Labcorp
Classification: Uncertain significance. Last evaluated: 2024-01-21. Review status: criteria provided, single submitter. Criteria: Invitae Variant Classification Sherloc (09022015). Collection method: clinical testing. Allele origin: germline.
Comment: This sequence change replaces glycine, which is neutral and non-polar, with aspartic acid, which is acidic and polar, at codon 665 of the PRDM13 protein (p.Gly665Asp). This variant is present in population databases (no rsID available, gnomAD 0.002%). This variant has not been reported in the literature in individuals affected with PRDM13-related conditions. ClinVar contains an entry for this variant (Variation ID: 1352377). Algorithms developed to predict the effect of missense changes on protein structure and function output the following: SIFT: "Not Available"; PolyPhen-2: "Benign"; Align-GVGD: "Not Available". The aspartic acid amino acid residue is found in multiple mammalian species, which suggests that this missense change does not adversely affect protein function. In summary, the available evidence is currently insufficient to determine the role of this variant in disease. Therefore, it has been classified as a Variant of Uncertain Significance.

NM_021620.4(PRDM13):c.1994G>A (p.Gly665Asp)

Gene: PRDM13 (PR/SET domain 13; plus strand). Cytogenetic location: 6q16.2.
Variant type: single nucleotide variant.
Coding change: c.1994G>A on transcript NM_021620.4 (MANE Select); coding-DNA position 1994, G replaced by A.
Protein change: p.Gly665Asp; replaces glycine 665 with aspartic acid.
Molecular consequence: missense variant.
Genome position (GRCh38, 1-based): chr6:99,614,629, G>A. VCF-style: chr6-99614629-G-A. GRCh37 (hg19) VCF-style: chr6-100062505-G-A.
Other names: short protein forms G665D.
Identifiers: ClinVar variation 1352377 (VCV001352377.8), dbSNP rs1308057842, ClinGen allele CA3936481.
Genomic context (GRCh38, chr6:99,614,629, plus strand): 5'-TGGAGCGACATGTCAAGTCCCGCCACCCTGGCCAGAGTCTGCTCGCCAAAGCGGGCGACG[G>A]CCCGGGTGCCGAGCCCGGCTATCCCCCGGAGCCTGGGGATCCCAAGAGCGACGACAGTGA-3'
Protein context (NP_067633.2, residues 655-675): GQSLLAKAGD[Gly665Asp]PGAEPGYPPE